The following is an entry in ClinVar:

ClinVar aggregate classification (germline): Uncertain significance. Review status: criteria provided, multiple submitters, no conflicts (2 of 4 stars). 4 submissions from 4 submitters: Uncertain significance (4). Last evaluated 2026-01-01.

Conditions:
SPTBN2-related disorder. Also called: SPTBN2-related condition.
Inborn genetic diseases. Identifiers: MedGen C0950123, MeSH D030342.

gnomAD v4.1: 37 of 1,605,362 alleles (0.0023%); highest among the groups gnomAD compares: Non-Finnish European, 0.003%; no homozygotes.

Submissions (4):

Labcorp Genetics (formerly Invitae), Labcorp
Classification: Uncertain significance. Last evaluated: 2026-01-01. Review status: criteria provided, single submitter. Criteria: Invitae Variant Classification Sherloc (09022015). Collection method: clinical testing. Allele origin: germline.
Comment: This sequence change replaces histidine, which is basic and polar, with glutamine, which is neutral and polar, at codon 1720 of the SPTBN2 protein (p.His1720Gln). This variant is present in population databases (rs763157375, gnomAD 0.005%). This variant has not been reported in the literature in individuals affected with SPTBN2-related conditions. ClinVar contains an entry for this variant (Variation ID: 3380029). Invitae Evidence Modeling of protein sequence and biophysical properties (such as structural, functional, and spatial information, amino acid conservation, physicochemical variation, residue mobility, and thermodynamic stability) indicates that this missense variant is not expected to disrupt SPTBN2 protein function with a negative predictive value of 80%. In summary, the available evidence is currently insufficient to determine the role of this variant in disease. Therefore, it has been classified as a Variant of Uncertain Significance.

Ambry Genetics
Classification: Uncertain significance for Inborn genetic diseases. Last evaluated: 2025-08-12. Review status: criteria provided, single submitter. Criteria: Ambry Variant Classification Scheme 2023. Collection method: clinical testing. Allele origin: germline.

PreventionGenetics, part of Exact Sciences
Classification: Uncertain significance for SPTBN2-related condition. Last evaluated: 2025-06-09. Review status: criteria provided, single submitter. Criteria: ACMG Guidelines, 2015. Collection method: clinical testing. Allele origin: germline.
Comment: The SPTBN2 c.5160C>A variant is predicted to result in the amino acid substitution p.His1720Gln. To our knowledge, this variant has not been reported in the literature. This variant is reported in 0.0044% of alleles in individuals of European (Non-Finnish) descent in gnomAD. At this time, the clinical significance of this variant is uncertain due to the absence of conclusive functional and genetic evidence.

Mayo Clinic Laboratories, Mayo Clinic
Classification: Uncertain significance. Last evaluated: 2024-05-02. Review status: criteria provided, single submitter. Criteria: ACMG Guidelines, 2015. Collection method: clinical testing. Allele origin: germline. Observed: 1 variant allele.
Comment: PM2_moderate

NM_006946.4(SPTBN2):c.5160C>A (p.His1720Gln)

Gene: SPTBN2 (spectrin beta, non-erythrocytic 2; minus strand). Cytogenetic location: 11q13.2.
Variant type: single nucleotide variant.
Coding change: c.5160C>A on transcript NM_006946.4 (MANE Select); coding-DNA position 5160, C replaced by A.
Protein change: p.His1720Gln; replaces histidine 1720 with glutamine.
Molecular consequence: missense variant.
Genome position (GRCh38, 1-based): chr11:66,692,566, G>T on the plus strand (C>A on the coding strand, the complement: SPTBN2 is on the minus strand). VCF-style: chr11-66692566-G-T. GRCh37 (hg19) VCF-style: chr11-66460037-G-T.
Other names: p.His1720Gln; c.5181C>A, p.His1727Gln (NM_001411025.1); c.5160C>A (NM_006946.2); short protein forms H1720Q, H1727Q.
Identifiers: ClinVar variation 3380029 (VCV003380029.5).